The following is an entry in ClinVar:

NM_000051.4(ATM):c.3690C>G (p.Asn1230Lys)

Gene: ATM (ATM serine/threonine kinase; plus strand). Cytogenetic location: 11q22.3.
Variant type: single nucleotide variant.
Coding change: c.3690C>G on transcript NM_000051.4 (MANE Select); coding-DNA position 3690, C replaced by G.
Protein change: p.Asn1230Lys; replaces asparagine 1230 with lysine.
Molecular consequence: missense variant.
Genome position (GRCh38, 1-based): chr11:108,282,823, C>G. VCF-style: chr11-108282823-C-G. GRCh37 (hg19) VCF-style: chr11-108153550-C-G.
Other names: c.3690C>G, p.Asn1230Lys (NM_001351834.2); short protein forms N1230K.
Identifiers: ClinVar variation 1410335 (VCV001410335.6), dbSNP rs1555092475, ClinGen allele CA382523480.

ClinVar aggregate classification (germline): Uncertain significance (1 of 4 stars; one submission).

Conditions:
Ataxia-telangiectasia syndrome (AT). Also called: LOUIS-BAR SYNDROME; Cerebello-oculocutaneous telangiectasia; Immunodeficiency with ataxia telangiectasia; ATAXIA-TELANGIECTASIA, COMPLEMENTATION GROUP A; ATAXIA-TELANGIECTASIA, FRESNO VARIANT; Ataxia-telangiectasia, complementation group D. Identifiers: Orphanet 100, MedGen C0004135, MONDO:0008840, OMIM 208900.

Submission:

Labcorp Genetics (formerly Invitae), Labcorp
Classification: Uncertain significance for Ataxia-telangiectasia syndrome. Last evaluated: 2021-11-07. Review status: criteria provided, single submitter. Criteria: Invitae Variant Classification Sherloc (09022015). Collection method: clinical testing. Allele origin: germline.
Comment: In summary, the available evidence is currently insufficient to determine the role of this variant in disease. Therefore, it has been classified as a Variant of Uncertain Significance. Advanced modeling of protein sequence and biophysical properties (such as structural, functional, and spatial information, amino acid conservation, physicochemical variation, residue mobility, and thermodynamic stability) performed at Invitae indicates that this missense variant is not expected to disrupt ATM protein function. This missense change has been observed in individual(s) with breast (PMID: 30287823). This variant is not present in population databases (gnomAD no frequency). This sequence change replaces asparagine, which is neutral and polar, with lysine, which is basic and polar, at codon 1230 of the ATM protein (p.Asn1230Lys).

Literature cited by the submitters: PubMed 30287823.